The following is an entry in ClinVar:

ClinVar aggregate classification (germline): Uncertain significance (1 of 4 stars; one submission).

Submission:

Labcorp Genetics (formerly Invitae), Labcorp
Classification: Uncertain significance. Last evaluated: 2024-07-17. Review status: criteria provided, single submitter. Criteria: Invitae Variant Classification Sherloc (09022015). Collection method: clinical testing. Allele origin: germline.
Comment: This variant, c.730_738dup, results in the insertion of 3 amino acid(s) of the GPR88 protein (p.Ala244_Ala246dup), but otherwise preserves the integrity of the reading frame. This variant is present in population databases (no rsID available, gnomAD 0.007%). This variant has not been reported in the literature in individuals affected with GPR88-related conditions. In summary, the available evidence is currently insufficient to determine the role of this variant in disease. Therefore, it has been classified as a Variant of Uncertain Significance.

NM_022049.3(GPR88):c.721GCC[9] (p.Ala246_Phe247insAlaAlaAla)

Gene: GPR88 (G protein-coupled receptor 88; plus strand). Cytogenetic location: 1p21.2.
Variant type: Microsatellite.
Coding change: c.721GCC[9] on transcript NM_022049.3 (MANE Select); nine copies in a row of the 3-base unit GCC starting at c.721; the reference has six copies in a row; three copies, 9 bases duplicated.
Protein change: p.Ala246_Phe247insAlaAlaAla.
Molecular consequence: inframe insertion.
Genome position (GRCh38, 1-based): chr1:100,539,696-100,539,704, GCCGCCGCC duplicated; duplicating any 9 consecutive bases within chr1:100,539,686-100,539,704 gives the same sequence; the position shown is the placement nearest the transcript's 3' end. VCF-style (leftmost placement, unchanged base first): chr1-100539685-G-GCGCCGCCGC. GRCh37 (hg19) VCF-style: chr1-101005241-G-GCGCCGCCGC.
Identifiers: ClinVar variation 3628788 (VCV003628788.2).